The following is an entry in ClinVar:

ClinVar aggregate classification (germline): Likely pathogenic (0 of 4 stars; one submission).

Conditions:
IFT172-related disorder. Also called: IFT172-related condition; IFT172-related disorders.

gnomAD v4.1: 1 of 1,613,602 alleles (0.000062%); highest among the groups gnomAD compares: Non-Finnish European, 0.000085%; no homozygotes.

Submission:

PreventionGenetics, part of Exact Sciences
Classification: Likely pathogenic for IFT172-related condition. Last evaluated: 2024-09-02. Review status: no assertion criteria provided. Collection method: clinical testing. Allele origin: germline.
Comment: The IFT172 c.337-2A>C variant is predicted to disrupt the AG splice acceptor site and interfere with normal splicing. This variant was reported in the compound heterozygous state with a pathogenic variant c.5179T>C (p.Cys1727Arg) in an individual with ciliopathy including early growth retardation and functional growth hormone deficiency (Lucas-Herald et al. 2015. PubMed ID: 25664603). This variant has not been reported in a large population database, indicating this variant is rare. Variants that disrupt the consensus splice acceptor site in IFT172 are expected to be pathogenic. This variant is interpreted as likely pathogenic.

NM_015662.3(IFT172):c.337-2A>C

Gene: IFT172 (intraflagellar transport 172; minus strand). Cytogenetic location: 2p23.3.
Variant type: single nucleotide variant.
Coding change: c.337-2A>C on transcript NM_015662.3 (MANE Select); the canonical splice acceptor site of the intron before coding-DNA position 337, A replaced by C.
Molecular consequence: splice acceptor variant.
Genome position (GRCh38, 1-based): chr2:27,483,939, T>G on the plus strand (A>C on the coding strand, the complement: IFT172 is on the minus strand). VCF-style: chr2-27483939-T-G. GRCh37 (hg19) VCF-style: chr2-27706806-T-G.
Other names: c.337-2A>C (NM_001410739.1).
Identifiers: ClinVar variation 3346029 (VCV003346029.1).